The following is an entry in ClinVar:

ClinVar aggregate classification (germline): Uncertain significance (1 of 4 stars; one submission).

Allele frequency attached by ClinVar (database versions not stated): gnomAD exomes below 0.00001; TOPMed 0.00001; gnomAD 0.00001.
gnomAD v4.1: 2 of 1,614,086 alleles (0.00012%); highest among the groups gnomAD compares: African/African-American, 0.0013%; no homozygotes.

Submission:

Labcorp Genetics (formerly Invitae), Labcorp
Classification: Uncertain significance. Last evaluated: 2022-05-04. Review status: criteria provided, single submitter. Criteria: Invitae Variant Classification Sherloc (09022015). Collection method: clinical testing. Allele origin: germline.
Comment: Algorithms developed to predict the effect of missense changes on protein structure and function are either unavailable or do not agree on the potential impact of this missense change (SIFT: "Deleterious"; PolyPhen-2: "Benign"; Align-GVGD: "Class C0"). This variant has not been reported in the literature in individuals affected with TAOK2-related conditions. This variant is not present in population databases (gnomAD no frequency). This sequence change replaces aspartic acid, which is acidic and polar, with asparagine, which is neutral and polar, at codon 14 of the TAOK2 protein (p.Asp14Asn). In summary, the available evidence is currently insufficient to determine the role of this variant in disease. Therefore, it has been classified as a Variant of Uncertain Significance.

NM_016151.4(TAOK2):c.40G>A (p.Asp14Asn)

Gene: TAOK2 (TAO kinase 2; plus strand). Cytogenetic location: 16p11.2.
Variant type: single nucleotide variant.
Coding change: c.40G>A on transcript NM_016151.4 (MANE Select); coding-DNA position 40, G replaced by A.
Protein change: p.Asp14Asn; replaces aspartic acid 14 with asparagine.
Molecular consequence: missense variant.
Genome position (GRCh38, 1-based): chr16:29,977,812, G>A. VCF-style: chr16-29977812-G-A. GRCh37 (hg19) VCF-style: chr16-29989133-G-A.
Other names: c.40G>A, p.Asp14Asn (NM_001252043.2, NM_004783.4); short protein forms D14N.
Identifiers: ClinVar variation 2078748 (VCV002078748.4), dbSNP rs1347355481, ClinGen allele CA395469538.